The following is an entry in ClinVar:

NM_014112.5(TRPS1):c.275T>C (p.Val92Ala)

Gene: TRPS1 (transcriptional repressor GATA binding 1; minus strand). Cytogenetic location: 8q23.3.
Variant type: single nucleotide variant.
Coding change: c.275T>C on transcript NM_014112.5 (MANE Select); coding-DNA position 275, T replaced by C.
Protein change: p.Val92Ala; replaces valine 92 with alanine.
Molecular consequence: missense variant.
Genome position (GRCh38, 1-based): chr8:115,619,823, A>G on the plus strand (T>C on the coding strand, the complement: TRPS1 is on the minus strand). VCF-style: chr8-115619823-A-G. GRCh37 (hg19) VCF-style: chr8-116632050-A-G.
Other names: c.248T>C, p.Val83Ala (NM_001282902.3); c.254T>C, p.Val85Ala (NM_001282903.3); c.236T>C, p.Val79Ala (NM_001330599.2); short protein forms V92A, V83A, V85A, V79A.
Identifiers: ClinVar variation 839905 (VCV000839905.10), dbSNP rs1818352045, ClinGen allele CA372069984.
Genomic context (GRCh38, chr8:115,619,823, plus strand): 5'-GAGGGAAAGTTTCCTCCCTTACTGGGGCTTTCATAATTGAAGCCAGCCTTCTCACTCAGA[A>G]CTGCGCTTTTCAAGTCCTTCTTACTGCTAGAAGATGGATCTTGAACATGCAAGCTATGTT-3'
Protein context (NP_054831.2, residues 82-102): SSSKKDLKSA[Val92Ala]LSEKAGFNYE

ClinVar aggregate classification (germline): Uncertain significance (1 of 4 stars; one submission).

Conditions:
Trichorhinophalangeal dysplasia type I (TRPS1). Also called: TRPS I; TRICHORHINOPHALANGEAL SYNDROME, TYPE I. Identifiers: Orphanet 77258, MedGen C0432233, MONDO:0008596, OMIM 190350.
Trichorhinophalangeal syndrome, type III (TRPS3). Also called: SUGIO-KAJII SYNDROME. Identifiers: Orphanet 77258, MedGen C1860823, OMIM 190351, MONDO:0008597.

Allele frequency attached by ClinVar (database versions not stated): gnomAD exomes below 0.00001.
gnomAD v4.1: 1 of 1,614,176 alleles (0.000062%); highest among the groups gnomAD compares: Non-Finnish European, 0.000085%; no homozygotes.

Submission:

Labcorp Genetics (formerly Invitae), Labcorp
Classification: Uncertain significance for Trichorhinophalangeal syndrome, type III; Trichorhinophalangeal dysplasia type I. Last evaluated: 2019-12-27. Review status: criteria provided, single submitter. Criteria: Invitae Variant Classification Sherloc (09022015). Collection method: clinical testing. Allele origin: germline.
Comment: In summary, the available evidence is currently insufficient to determine the role of this variant in disease. Therefore, it has been classified as a Variant of Uncertain Significance. Algorithms developed to predict the effect of missense changes on protein structure and function (SIFT, PolyPhen-2, Align-GVGD) all suggest that this variant is likely to be tolerated, but these predictions have not been confirmed by published functional studies and their clinical significance is uncertain. This variant has not been reported in the literature in individuals with TRPS1-related conditions. This variant is not present in population databases (ExAC no frequency). This sequence change replaces valine with alanine at codon 92 of the TRPS1 protein (p.Val92Ala). The valine residue is weakly conserved and there is a small physicochemical difference between valine and alanine.